The following is an entry in ClinVar:

ClinVar aggregate classification (germline): Uncertain significance. Review status: criteria provided, multiple submitters, no conflicts (2 of 4 stars). 4 submissions from 4 submitters: Uncertain significance (4). Last evaluated 2025-05-14.

Conditions:
Inborn genetic diseases. Identifiers: MedGen C0950123, MeSH D030342.
Tay-Sachs disease (TSD). Also called: HEXA DEFICIENCY; GM2 gangliosidosis, type 1; Hexosaminidase alpha-subunit deficiency (variant B); Sphingolipidosis, Tay-Sachs; Hexosaminidase A Deficiency; HEXA Disorders. Identifiers: Orphanet 845, MedGen C0039373, MONDO:0010100, OMIM 272800.

Allele frequency attached by ClinVar (database versions not stated): ExAC 0.00001.
gnomAD v4.1: 18 of 1,614,216 alleles (0.0011%); highest among the groups gnomAD compares: South Asian, 0.016%; no homozygotes.

Submissions (4):

Ambry Genetics
Classification: Uncertain significance for Inborn genetic diseases. Last evaluated: 2025-05-14. Review status: criteria provided, single submitter. Criteria: Ambry Variant Classification Scheme 2023. Collection method: clinical testing. Allele origin: germline.

GeneDx
Classification: Uncertain significance. Last evaluated: 2024-09-26. Review status: criteria provided, single submitter. Criteria: GeneDx Variant Classification Process June 2021. Collection method: clinical testing. Allele origin: germline. Affected: yes.
Comment: Not observed at significant frequency in large population cohorts (gnomAD); In silico analysis supports that this missense variant has a deleterious effect on protein structure/function; Has not been previously published as pathogenic or benign to our knowledge

Women's Health and Genetics/Laboratory Corporation of America, LabCorp
Classification: Uncertain significance. Last evaluated: 2024-03-21. Review status: criteria provided, single submitter. Criteria: LabCorp Variant Classification Summary - May 2015. Collection method: clinical testing. Allele origin: germline.
Comment: Variant summary: HEXA c.1114G>T (p.Val372Leu) results in a conservative amino acid change located in the Glycoside hydrolase family 20, catalytic domain (IPR015883) of the encoded protein sequence. Four of five in-silico tools predict a damaging effect of the variant on protein function. The variant allele was found at a frequency of 1.2e-05 in 251492 control chromosomes. The available data on variant occurrences in the general population are insufficient to allow any conclusion about variant significance. To our knowledge, no occurrence of c.1114G>T in individuals affected with Tay-Sachs Disease and no experimental evidence demonstrating its impact on protein function have been reported. ClinVar contains an entry for this variant (Variation ID: 2069681). Based on the evidence outlined above, the variant was classified as uncertain significance.

Labcorp Genetics (formerly Invitae), Labcorp
Classification: Uncertain significance for Tay-Sachs disease. Last evaluated: 2022-02-05. Review status: criteria provided, single submitter. Criteria: Invitae Variant Classification Sherloc (09022015). Collection method: clinical testing. Allele origin: germline.
Comment: This sequence change replaces valine, which is neutral and non-polar, with leucine, which is neutral and non-polar, at codon 372 of the HEXA protein (p.Val372Leu). This variant is present in population databases (rs759434633, gnomAD 0.006%). This variant has not been reported in the literature in individuals affected with HEXA-related conditions. Algorithms developed to predict the effect of missense changes on protein structure and function (SIFT, PolyPhen-2, Align-GVGD) all suggest that this variant is likely to be tolerated. In summary, the available evidence is currently insufficient to determine the role of this variant in disease. Therefore, it has been classified as a Variant of Uncertain Significance.

NM_000520.6(HEXA):c.1114G>T (p.Val372Leu)

Gene: HEXA (hexosaminidase subunit alpha; minus strand). Cytogenetic location: 15q23.
Variant type: single nucleotide variant.
Coding change: c.1114G>T on transcript NM_000520.6 (MANE Select); coding-DNA position 1114, G replaced by T.
Protein change: p.Val372Leu; replaces valine 372 with leucine.
Molecular consequence: missense variant.
Genome position (GRCh38, 1-based): chr15:72,347,718, C>A on the plus strand (G>T on the coding strand, the complement: HEXA is on the minus strand). VCF-style: chr15-72347718-C-A. GRCh37 (hg19) VCF-style: chr15-72640059-C-A.
Other names: c.1114G>T (NM_000520.4); c.1147G>T, p.Val383Leu (NM_001318825.2); short protein forms V383L, V372L.
Identifiers: ClinVar variation 2069681 (VCV002069681.5), dbSNP rs759434633, ClinGen allele CA7644798.